The following is an entry in ClinVar:

NM_001258392.3(CLPB):c.1103T>C (p.Met368Thr)

Gene: CLPB (ClpB family mitochondrial disaggregase; minus strand). Cytogenetic location: 11q13.4.
Variant type: single nucleotide variant.
Coding change: c.1103T>C on transcript NM_001258392.3 (MANE Select); coding-DNA position 1103, T replaced by C.
Protein change: p.Met368Thr; replaces methionine 368 with threonine.
Molecular consequence: missense variant.
Genome position (GRCh38, 1-based): chr11:72,307,218, A>G on the plus strand (T>C on the coding strand, the complement: CLPB is on the minus strand). VCF-style: chr11-72307218-A-G. GRCh37 (hg19) VCF-style: chr11-72018262-A-G.
Other names: c.1016T>C, p.Met339Thr (NM_001258393.3); c.1058T>C, p.Met353Thr (NM_001258394.3); c.1193T>C, p.Met398Thr (NM_030813.6); short protein forms M339T, M353T, M368T, M398T.
Identifiers: ClinVar variation 2305249 (VCV002305249.4), dbSNP rs1005193912, ClinGen allele CA224390973.

ClinVar aggregate classification (germline): Uncertain significance. Review status: criteria provided, multiple submitters, no conflicts (2 of 4 stars). 2 submissions from 2 submitters: Uncertain significance (2). Last evaluated 2024-03-18.

Conditions:
Inborn genetic diseases. Identifiers: MedGen C0950123, MeSH D030342.
3-methylglutaconic aciduria, type VIIB (MGCA7B). Also called: CLPB Deficiency; 3-methylglutaconic aciduria, type VII, with cataracts, neurologic involvement and neutropenia; 3-methylglutaconic aciduria with cataracts, neurologic involvement and neutropenia. Identifiers: Orphanet 445038, MedGen C5676893, MONDO:0014561, OMIM 616271.

Allele frequency attached by ClinVar (database versions not stated): gnomAD exomes 0.00001; TOPMed 0.00001.
gnomAD v4.1: 20 of 1,613,988 alleles (0.0012%); highest among the groups gnomAD compares: Middle Eastern, 0.017%; no homozygotes.

Submissions (2):

Labcorp Genetics (formerly Invitae), Labcorp
Classification: Uncertain significance for 3-methylglutaconic aciduria, type VIIB. Last evaluated: 2024-03-18. Review status: criteria provided, single submitter. Criteria: Invitae Variant Classification Sherloc (09022015). Collection method: clinical testing. Allele origin: germline.
Comment: This sequence change replaces methionine, which is neutral and non-polar, with threonine, which is neutral and polar, at codon 398 of the CLPB protein (p.Met398Thr). This variant is present in population databases (no rsID available, gnomAD 0.003%). This variant has not been reported in the literature in individuals affected with CLPB-related conditions. ClinVar contains an entry for this variant (Variation ID: 2305249). An algorithm developed to predict the effect of missense changes on protein structure and function (PolyPhen-2) suggests that this variant is likely to be disruptive. In summary, the available evidence is currently insufficient to determine the role of this variant in disease. Therefore, it has been classified as a Variant of Uncertain Significance.

Ambry Genetics
Classification: Uncertain significance for Inborn genetic diseases. Last evaluated: 2022-08-03. Review status: criteria provided, single submitter. Criteria: Ambry Variant Classification Scheme 2023. Collection method: clinical testing. Allele origin: germline.